The following is an entry in ClinVar:

ClinVar aggregate classification (germline): Pathogenic (1 of 4 stars; one submission).

Conditions:
Fanconi anemia (FA). Also called: Fanconi's anemia. Identifiers: Orphanet 84, MedGen C0015625, MeSH D005199, MONDO:0019391.

Submission:

Labcorp Genetics (formerly Invitae), Labcorp
Classification: Pathogenic for Fanconi anemia. Last evaluated: 2024-01-27. Review status: criteria provided, single submitter. Criteria: Invitae Variant Classification Sherloc (09022015). Collection method: clinical testing. Allele origin: germline.
Comment: This sequence change creates a premature translational stop signal (p.Arg1178Leufs*43) in the FANCI gene. It is expected to result in an absent or disrupted protein product. Loss-of-function variants in FANCI are known to be pathogenic (PMID: 17452773, 17460694). This variant is not present in population databases (gnomAD no frequency). This variant has not been reported in the literature in individuals affected with FANCI-related conditions. For these reasons, this variant has been classified as Pathogenic.

Literature cited by the submitters: PubMed 17452773; PubMed 17460694.

NM_001113378.2(FANCI):c.3530_3531insTCTG (p.Arg1178fs)

Gene: FANCI (FA complementation group I; plus strand). Cytogenetic location: 15q26.1.
Variant type: Insertion.
Coding change: c.3530_3531insTCTG on transcript NM_001113378.2 (MANE Select); coding-DNA positions 3530 to 3531, TCTG inserted.
Protein change: p.Arg1178fs; shifts the reading frame from arginine 1178.
Molecular consequence: frameshift variant.
Genome position: GRCh38 VCF-style: chr15-89306187-T-TTCTG. GRCh37 (hg19) VCF-style: chr15-89849418-T-TTCTG.
Other names: c.3251_3252insTCTG, p.Arg1085fs (NM_001376910.1); c.3530_3531insTCTG, p.Arg1178fs (NM_001376911.1); c.3350_3351insTCTG, p.Arg1118fs (NM_018193.3); short protein forms R1085fs, R1118fs, R1178fs.
Identifiers: ClinVar variation 2713540 (VCV002713540.3), dbSNP rs2508510399, ClinGen allele CA2697549278.